The following is an entry in ClinVar:

NM_000038.6(APC):c.4774A>C (p.Lys1592Gln)

Gene: APC (APC regulator of Wnt signaling pathway; plus strand). Cytogenetic location: 5q22.2.
Variant type: single nucleotide variant.
Coding change: c.4774A>C on transcript NM_000038.6 (MANE Select); coding-DNA position 4774, A replaced by C.
Protein change: p.Lys1592Gln; replaces lysine 1592 with glutamine.
Molecular consequence: missense variant.
Genome position (GRCh38, 1-based): chr5:112,840,368, A>C. VCF-style: chr5-112840368-A-C. GRCh37 (hg19) VCF-style: chr5-112176065-A-C.
Other names: c.4774A>C, p.Lys1592Gln (NM_001127510.3, NM_001354895.2); c.4720A>C, p.Lys1574Gln (NM_001127511.3); c.4828A>C, p.Lys1610Gln (NM_001354896.2); c.4804A>C, p.Lys1602Gln (NM_001354897.2); c.4699A>C, p.Lys1567Gln (NM_001354898.2); c.4690A>C, p.Lys1564Gln (NM_001354899.2); c.4651A>C, p.Lys1551Gln (NM_001354900.2); c.4597A>C, p.Lys1533Gln (NM_001354901.2); and 5 more; short protein forms K1533Q, K1567Q, K1592Q, K1610Q, K1466Q, K1491Q, K1551Q, K1564Q.
Identifiers: ClinVar variation 1043925 (VCV001043925.12), dbSNP rs769714243, ClinGen allele CA16031794.
Genomic context (GRCh38, chr5:112,840,368, plus strand): 5'-ATTGAAATACTAGAAGAATGTATTATTTCTGCCATGCCAACAAAGTCATCACGTAAAGCA[A>C]AAAAGCCAGCCCAGACTGCTTCAAAATTACCTCCACCTGTGGCAAGGAAACCAAGTCAGC-3'
Protein context (NP_000029.2, residues 1582-1602): AMPTKSSRKA[Lys1592Gln]KPAQTASKLP

ClinVar aggregate classification (germline): Uncertain significance. Review status: criteria provided, multiple submitters, no conflicts (2 of 4 stars). 2 submissions from 2 submitters: Uncertain significance (2). Last evaluated 2024-10-18.

Conditions:
Hereditary cancer-predisposing syndrome. Also called: Hereditary Cancer Syndrome; Tumor predisposition; Hereditary neoplastic syndrome; Neoplastic Syndromes, Hereditary. Identifiers: Orphanet 140162, MedGen C0027672, MeSH D009386, MONDO:0015356.
Familial adenomatous polyposis 1 (FAP1). Also called: FAMILIAL ADENOMATOUS POLYPOSIS 1, ATTENUATED; POLYPOSIS, ADENOMATOUS INTESTINAL. Identifiers: MedGen C2713442, MONDO:0021056, OMIM 175100. Disease mechanism: loss of function.

Submissions (2):

Labcorp Genetics (formerly Invitae), Labcorp
Classification: Uncertain significance for Familial adenomatous polyposis 1. Last evaluated: 2024-10-18. Review status: criteria provided, single submitter. Criteria: Invitae Variant Classification Sherloc (09022015). Collection method: clinical testing. Allele origin: germline.
Comment: This sequence change replaces lysine, which is basic and polar, with glutamine, which is neutral and polar, at codon 1592 of the APC protein (p.Lys1592Gln). This variant is not present in population databases (gnomAD no frequency). This variant has not been reported in the literature in individuals affected with APC-related conditions. ClinVar contains an entry for this variant (Variation ID: 1043925). Invitae Evidence Modeling of protein sequence and biophysical properties (such as structural, functional, and spatial information, amino acid conservation, physicochemical variation, residue mobility, and thermodynamic stability) indicates that this missense variant is not expected to disrupt APC protein function with a negative predictive value of 95%. In summary, the available evidence is currently insufficient to determine the role of this variant in disease. Therefore, it has been classified as a Variant of Uncertain Significance.

Ambry Genetics
Classification: Uncertain significance for Hereditary cancer-predisposing syndrome. Last evaluated: 2020-09-21. Review status: criteria provided, single submitter. Criteria: Ambry Variant Classification Scheme 2023. Collection method: clinical testing. Allele origin: germline.
Comment: The p.K1592Q variant (also known as c.4774A>C), located in coding exon 15 of the APC gene, results from an A to C substitution at nucleotide position 4774. The lysine at codon 1592 is replaced by glutamine, an amino acid with similar properties. This amino acid position is highly conserved in available vertebrate species. In addition, in silico predictors for this gene do not accurately predict pathogenicity. Since supporting evidence is limited at this time, the clinical significance of this alteration remains unclear.